The following is an entry in ClinVar:

ClinVar aggregate classification (germline): Pathogenic (1 of 4 stars; one submission).

Conditions:
Hereditary cancer-predisposing syndrome. Also called: Neoplastic Syndromes, Hereditary; Hereditary Cancer Syndrome; Tumor predisposition; Hereditary neoplastic syndrome. Identifiers: Orphanet 140162, MedGen C0027672, MeSH D009386, MONDO:0015356.

Submission:

GeneKor MSA
Classification: Pathogenic for Hereditary cancer-predisposing syndrome. Last evaluated: 2020-01-01. Review status: criteria provided, single submitter. Criteria: ACMG Guidelines, 2015. Collection method: clinical testing. Allele origin: germline.
Comment: This variant is a large genomic deletion which encompasses two exons (1-2) of the BRCA1 gene. Truncating variants in BRCA1 are known to be pathogenic (PMID: 20104584). This variant has been described in the international literature in individuals undergoing panel testing for hereditary syndrome (PMID: 31159747).

deletion of exons 1-2

NM_007294.3(BRCA1):c.(?_-1)_(80+1_81-1)del

Gene: BRCA1 (BRCA1 DNA repair associated; minus strand).
Variant type: Deletion.
Coding change: c.(?_-1)_(80+1_81-1)del on transcript NM_007294.3; a large deletion whose breakpoints are not mapped to the base.
Other names: c.(?_-1)_(80+1_81-1)del (LRG_292t1).
Identifiers: ClinVar variation 584570 (VCV000584570.2).